The following is an entry in ClinVar:

ClinVar aggregate classification (germline): Pathogenic (1 of 4 stars; one submission).

Conditions:
Deficiency of hydroxymethylglutaryl-CoA lyase (HMGCLD). Also called: Defect in leucine metabolism; 3-hydroxy-3-methylglutaric aciduria; HMGCL DEFICIENCY; HYDROXYMETHYLGLUTARIC ACIDURIA; HMG-CoA LYASE DEFICIENCY. Identifiers: Orphanet 20, MedGen C1533587, MONDO:0009520, OMIM 246450.

Submission:

Labcorp Genetics (formerly Invitae), Labcorp
Classification: Pathogenic for Deficiency of hydroxymethylglutaryl-CoA lyase. Last evaluated: 2021-05-21. Review status: criteria provided, single submitter. Criteria: Invitae Variant Classification Sherloc (09022015). Collection method: clinical testing. Allele origin: germline.
Comment: For these reasons, this variant has been classified as Pathogenic. This variant has not been reported in the literature in individuals with HMGCL-related conditions. This variant is not present in population databases (ExAC no frequency). This sequence change creates a premature translational stop signal (p.Gln45*) in the HMGCL gene. It is expected to result in an absent or disrupted protein product. Loss-of-function variants in HMGCL are known to be pathogenic (PMID: 9817922, 17692550, 23465862).

Literature cited by the submitters: PubMed 9817922; PubMed 17692550; PubMed 23465862.

NM_000191.3(HMGCL):c.133C>T (p.Gln45Ter)

Gene: HMGCL (3-hydroxy-3-methylglutaryl-CoA lyase; minus strand). Cytogenetic location: 1p36.11.
Variant type: single nucleotide variant.
Coding change: c.133C>T on transcript NM_000191.3 (MANE Select); coding-DNA position 133, C replaced by T.
Protein change: p.Gln45Ter; replaces glutamine 45 with a stop codon.
Molecular consequence: nonsense.
Genome position (GRCh38, 1-based): chr1:23,820,521, G>A on the plus strand (C>T on the coding strand, the complement: HMGCL is on the minus strand). VCF-style: chr1-23820521-G-A. GRCh37 (hg19) VCF-style: chr1-24147011-G-A.
Other names: c.133C>T, p.Gln45Ter (NM_001166059.2); short protein forms Q45*.
Identifiers: ClinVar variation 1459880 (VCV001459880.8), dbSNP rs2148425853, ClinGen allele CA339030278.